The following is an entry in ClinVar:

NC_000014.8:g.(50641271_50647289)_(50698297_?)dup

Gene: SOS2 (SOS Ras/Rho guanine nucleotide exchange factor 2; minus strand). Cytogenetic location: 14q21.3.
Variant type: Duplication.
Identifiers: ClinVar variation 3895977 (VCV003895977.1).

ClinVar aggregate classification (germline): Uncertain significance (1 of 4 stars; one submission).

Submission:

Women's Health and Genetics/Laboratory Corporation of America, LabCorp
Classification: Uncertain significance. Last evaluated: 2025-03-31. Review status: criteria provided, single submitter. Criteria: LabCorp Variant Classification Summary - May 2015. Collection method: clinical testing. Allele origin: germline.
Comment: Variant summary: The variant involves the duplication of exons 1-7 in the SOS2 gene. A presumed nomenclature of c.(?_-296)_(969+1_970-1)dup has been designated for the purposes of this classification. The exact breakpoint at the 5' end of this variant is unknown, therefore this duplication may extend upstream of the annotated region of this gene. It is predicted to duplicate a segment including the initiation codon, therefore its impact on the encoded protein is unknown. The frequency of this variant in the general population could not be determined as the technology used for large population databases (ExAC, gnomAD, ESP, 1000G) cannot detect variants of this type. The available data on variant occurrences in the general population are insufficient to allow any conclusion about variant significance. To our knowledge, no occurrence of c.(?_-296)_(969+1_970-1)dup in individuals affected with Noonan Syndrome and no experimental evidence demonstrating its impact on protein function have been reported. No submitters have cited clinical-significance assessments for this variant to ClinVar. Based on the evidence outlined above, the variant was classified as uncertain significance.